The following is an entry in ClinVar:

NM_000059.4(BRCA2):c.8761_8767del (p.Phe2921fs)

Gene: BRCA2 (BRCA2 DNA repair associated; plus strand). Cytogenetic location: 13q13.1.
Variant type: Deletion.
Coding change: c.8761_8767del on transcript NM_000059.4 (MANE Select); coding-DNA positions 8761 to 8767, 7 bases deleted (TTCAGTG; older notation c.8761_8767delTTCAGTG).
Protein change: p.Phe2921fs; shifts the reading frame from phenylalanine 2921.
Molecular consequence: frameshift variant.
Genome position (GRCh38, 1-based): chr13:32,379,323-32,379,329, TTCAGTG deleted. VCF-style (leftmost placement, unchanged base first): chr13-32379322-TTTCAGTG-T. GRCh37 (hg19) VCF-style: chr13-32953459-TTTCAGTG-T.
Other names: short protein forms F2921fs.
Identifiers: ClinVar variation 822719 (VCV000822719.5), dbSNP rs1593936506, ClinGen allele CA915948610.

ClinVar aggregate classification (germline): Pathogenic (1 of 4 stars; one submission).

Conditions:
Hereditary cancer-predisposing syndrome. Also called: Tumor predisposition; Neoplastic Syndromes, Hereditary; Hereditary neoplastic syndrome; Hereditary Cancer Syndrome. Identifiers: Orphanet 140162, MedGen C0027672, MeSH D009386, MONDO:0015356.

Submission:

Ambry Genetics
Classification: Pathogenic for Hereditary cancer-predisposing syndrome. Last evaluated: 2026-03-20. Review status: criteria provided, single submitter. Criteria: Ambry Variant Classification Scheme 2023. Collection method: clinical testing. Allele origin: germline.
Comment: The c.8761_8767delTTCAGTG pathogenic mutation, located in coding exon 21 of the BRCA2 gene, results from a deletion of 7 nucleotides at nucleotide positions 8761 to 8767, causing a translational frameshift with a predicted alternate stop codon (p.F2921Kfs*4). This variant is considered to be rare based on population cohorts in the Genome Aggregation Database (gnomAD). This variant is expected to result in loss of function by premature protein truncation or nonsense-mediated mRNA decay. As such, this variant is interpreted as a disease-causing mutation.